The following is an entry in ClinVar:

ClinVar aggregate classification (germline): Uncertain significance (1 of 4 stars; one submission).

Submission:

Labcorp Genetics (formerly Invitae), Labcorp
Classification: Uncertain significance. Last evaluated: 2022-05-29. Review status: criteria provided, single submitter. Criteria: Invitae Variant Classification Sherloc (09022015). Collection method: clinical testing. Allele origin: germline.
Comment: This variant results in a copy number gain of the genomic region encompassing exon(s) 10-12 of the ABCC6 gene. While the exact position of this variant cannot be determined from the data, sub-genic copy number gains are generally in tandem (PMID: 25640679). This variant is predicted to be in-frame, and likely preserves the integrity of the reading frame. This variant has not been reported in the literature in individuals affected with ABCC6-related conditions. In summary, the available evidence is currently insufficient to determine the role of this variant in disease. Therefore, it has been classified as a Variant of Uncertain Significance.

Literature cited by the submitters: PubMed 25640679.

NC_000016.9:g.(?_16284001)_(16292059_?)dup

Gene: ABCC6 (ATP binding cassette subfamily C member 6; minus strand). Cytogenetic location: 16p13.11.
Variant type: Duplication.
Identifiers: ClinVar variation 2423920 (VCV002423920.3).